The following is an entry in ClinVar:

ClinVar aggregate classification (germline): Pathogenic (1 of 4 stars; one submission).

Conditions:
Werner syndrome (WRN). Identifiers: Orphanet 902, MedGen C0043119, MONDO:0010196, OMIM 277700.

Submission:

Labcorp Genetics (formerly Invitae), Labcorp
Classification: Pathogenic for Werner syndrome. Last evaluated: 2021-01-01. Review status: criteria provided, single submitter. Criteria: Invitae Variant Classification Sherloc (09022015). Collection method: clinical testing. Allele origin: germline.
Comment: For these reasons, this variant has been classified as Pathogenic. This variant has not been reported in the literature in individuals with WRN-related conditions. This variant is not present in population databases (ExAC no frequency). This sequence change creates a premature translational stop signal (p.Leu914Cysfs*60) in the WRN gene. It is expected to result in an absent or disrupted protein product. Loss-of-function variants in WRN are known to be pathogenic (PMID: 16673358).

Literature cited by the submitters: PubMed 16673358.

NM_000553.6(WRN):c.2741del (p.Leu914fs)

Gene: WRN (WRN RecQ like helicase; plus strand). Cytogenetic location: 8p12.
Variant type: Deletion.
Coding change: c.2741del on transcript NM_000553.6 (MANE Select); coding-DNA position 2741, one base deleted (T; older notation c.2741delT).
Protein change: p.Leu914fs; shifts the reading frame from leucine 914.
Molecular consequence: frameshift variant.
Genome position (GRCh38, 1-based): chr8:31,124,916, T deleted; the last of 2 consecutive T bases (chr8:31,124,915-31,124,916); deleting either gives the same sequence. VCF-style (leftmost placement, unchanged base first): chr8-31124914-CT-C. GRCh37 (hg19) VCF-style: chr8-30982430-CT-C.
Other names: short protein forms L914fs.
Identifiers: ClinVar variation 1451577 (VCV001451577.6), dbSNP rs2130344386, ClinGen allele CA2573142675.